The following is an entry in ClinVar:

ClinVar aggregate classification (germline): Uncertain significance (1 of 4 stars; one submission).

Conditions:
Fanconi anemia complementation group O. Also called: RAD51C-Related Fanconi Anemia. Identifiers: Orphanet 84, MedGen C3150653, MONDO:0013248, OMIM 613390.

Allele frequency attached by ClinVar (database versions not stated): gnomAD exomes below 0.00001; ExAC 0.00001.
gnomAD v4.1: 1 of 1,607,840 alleles (0.000062%); highest among the groups gnomAD compares: South Asian, 0.0011%; no homozygotes.

Submission:

Labcorp Genetics (formerly Invitae), Labcorp
Classification: Uncertain significance for Fanconi anemia complementation group O. Last evaluated: 2021-09-09. Review status: criteria provided, single submitter. Criteria: Invitae Variant Classification Sherloc (09022015). Collection method: clinical testing. Allele origin: germline.
Comment: Algorithms developed to predict the effect of missense changes on protein structure and function are either unavailable or do not agree on the potential impact of this missense change (SIFT: "Deleterious"; PolyPhen-2: "Probably Damaging"; Align-GVGD: "Class C15"). This sequence change replaces leucine with phenylalanine at codon 301 of the RAD51C protein (p.Leu301Phe). The leucine residue is highly conserved and there is a small physicochemical difference between leucine and phenylalanine. This variant is present in population databases (rs761799817, ExAC 0.006%). This variant has not been reported in the literature in individuals affected with RAD51C-related conditions. In summary, the available evidence is currently insufficient to determine the role of this variant in disease. Therefore, it has been classified as a Variant of Uncertain Significance.

NM_058216.3(RAD51C):c.903A>C (p.Leu301Phe)

Gene: RAD51C (RAD51 paralog C; plus strand). Cytogenetic location: 17q22.
Variant type: single nucleotide variant.
Coding change: c.903A>C on transcript NM_058216.3 (MANE Select); coding-DNA position 903, A replaced by C.
Protein change: p.Leu301Phe; replaces leucine 301 with phenylalanine.
Molecular consequence: missense variant. On other transcripts: non-coding transcript variant (1).
Genome position (GRCh38, 1-based): chr17:58,720,811, A>C. VCF-style: chr17-58720811-A-C. GRCh37 (hg19) VCF-style: chr17-56798172-A-C.
Other names: short protein forms L301F.
Identifiers: ClinVar variation 1368239 (VCV001368239.6), dbSNP rs761799817, ClinGen allele CA8677349.